The following is an entry in ClinVar:

ClinVar aggregate classification (germline): Uncertain significance (1 of 4 stars; one submission).

Conditions:
Acute myeloid leukemia (AML). Also called: Leukemia, acute myeloid, somatic; Leukemia, acute myelogenous, somatic; Acute myeloid leukemia, adult; AML adult; Acute non-lymphocytic leukemia; Acute granulocytic leukemia. Identifiers: Orphanet 519, MedGen C0023467, MeSH D015470, MONDO:0018874, OMIM 601626, HP:0004808. Disease mechanism: Constitutively activated FLT3.

Submission:

Labcorp Genetics (formerly Invitae), Labcorp
Classification: Uncertain significance for Acute myeloid leukemia. Last evaluated: 2017-05-07. Review status: criteria provided, single submitter. Criteria: Invitae Variant Classification Sherloc (09022015). Collection method: clinical testing. Allele origin: germline.
Comment: This sequence change replaces glycine with aspartic acid at codon 355 of the CEBPA protein (p.Gly355Asp). The glycine residue is moderately conserved and there is a moderate physicochemical difference between glycine and aspartic acid. This variant is not present in population databases (ExAC no frequency) and has not been reported in the literature in individuals with a CEBPA-related disease. Algorithms developed to predict the effect of missense changes on protein structure and function do not agree on the potential impact of this missense change (SIFT: "Tolerated"; PolyPhen-2: "Probably Damaging"; Align-GVGD: "Class C0"). In summary, this variant is a novel missense change with uncertain impact on protein function. It has been classified as a Variant of Uncertain Significance.

NM_004364.5(CEBPA):c.1064G>A (p.Gly355Asp)

Gene: CEBPA (CCAAT enhancer binding protein alpha; minus strand). Cytogenetic location: 19q13.11.
Variant type: single nucleotide variant.
Coding change: c.1064G>A on transcript NM_004364.5 (MANE Select); coding-DNA position 1064, G replaced by A.
Protein change: p.Gly355Asp; replaces glycine 355 with aspartic acid.
Molecular consequence: missense variant.
Genome position (GRCh38, 1-based): chr19:33,301,351, C>T on the plus strand (G>A on the coding strand, the complement: CEBPA is on the minus strand). VCF-style: chr19-33301351-C-T. GRCh37 (hg19) VCF-style: chr19-33792257-C-T.
Other names: c.707G>A, p.Gly236Asp (NM_001285829.2); c.1169G>A, p.Gly390Asp (NM_001287424.2); c.1022G>A, p.Gly341Asp (NM_001287435.2); short protein forms G355D, G341D, G390D, G236D.
Identifiers: ClinVar variation 456668 (VCV000456668.9), dbSNP rs1358286265, ClinGen allele CA405273616.